The following is an entry in ClinVar:

NM_001029883.3(PCARE):c.2183G>C (p.Arg728Thr)

Gene: PCARE (photoreceptor cilium actin regulator; minus strand). Cytogenetic location: 2p23.2.
Variant type: single nucleotide variant.
Coding change: c.2183G>C on transcript NM_001029883.3 (MANE Select); coding-DNA position 2183, G replaced by C.
Protein change: p.Arg728Thr; replaces arginine 728 with threonine.
Molecular consequence: missense variant.
Genome position (GRCh38, 1-based): chr2:29,072,079, C>G on the plus strand (G>C on the coding strand, the complement: PCARE is on the minus strand). VCF-style: chr2-29072079-C-G. GRCh37 (hg19) VCF-style: chr2-29294945-C-G.
Other names: short protein forms R728T.
Identifiers: ClinVar variation 1053633 (VCV001053633.9), dbSNP rs2148415798, ClinGen allele CA346478064.
Genomic context (GRCh38, chr2:29,072,079, plus strand): 5'-CCCAGCATCCTCAGACTCTCCGTGGGACTGAAAGTTTCAATAAGCTTCTTGACGGATGTT[C>G]TGGTGGGACAGCCTCTGACATTCCAGTCTGTGGCCTTGGCAGCCTCACTGACCTCTCCTG-3'
Protein context (NP_001025054.1, residues 718-738): TDWNVRGCPT[Arg728Thr]TSVKKLIETF

ClinVar aggregate classification (germline): Uncertain significance (1 of 4 stars; one submission).

Submission:

Labcorp Genetics (formerly Invitae), Labcorp
Classification: Uncertain significance. Last evaluated: 2022-08-23. Review status: criteria provided, single submitter. Criteria: Invitae Variant Classification Sherloc (09022015). Collection method: clinical testing. Allele origin: germline.
Comment: This variant has not been reported in the literature in individuals affected with PCARE-related conditions. In summary, the available evidence is currently insufficient to determine the role of this variant in disease. Therefore, it has been classified as a Variant of Uncertain Significance. Algorithms developed to predict the effect of missense changes on protein structure and function (SIFT, PolyPhen-2, Align-GVGD) all suggest that this variant is likely to be disruptive. ClinVar contains an entry for this variant (Variation ID: 1053633). This variant is not present in population databases (gnomAD no frequency). This sequence change replaces arginine, which is basic and polar, with threonine, which is neutral and polar, at codon 728 of the PCARE protein (p.Arg728Thr).